The following is an entry in ClinVar:

NM_001145648.3(RASGRF1):c.2142C>T (p.Ser714=)

Genes: RASGRF1 (Ras protein specific guanine nucleotide releasing factor 1; minus strand), LOC126862187 (MED14-independent group 3 enhancer GRCh37_chr15:79296069-79297268; plus strand). Cytogenetic location: 15q25.1.
Variant type: single nucleotide variant.
Coding change: c.2142C>T on transcript NM_001145648.3 (MANE Select); coding-DNA position 2142, C replaced by T.
Protein change: p.Ser714=; no amino-acid change (serine 714 retained).
Molecular consequence: synonymous variant. On other transcripts: 5 prime UTR variant (1).
Genome position (GRCh38, 1-based): chr15:79,004,109, G>A on the plus strand (C>T on the coding strand, the complement: RASGRF1 is on the minus strand). VCF-style: chr15-79004109-G-A. GRCh37 (hg19) VCF-style: chr15-79296451-G-A.
Other names: c.2190C>T, p.Ser730= (NM_002891.6); c.-163C>T (NM_153815.3).
Identifiers: ClinVar variation 3390206 (VCV003390206.14).

ClinVar aggregate classification (germline): Likely benign (1 of 4 stars; one submission).

Submission:

CeGaT Center for Human Genetics Tuebingen
Classification: Likely benign. Last evaluated: 2024-11-01. Review status: criteria provided, single submitter. Criteria: CeGaT Center For Human Genetics Tuebingen Variant Classification Criteria Version 2. Collection method: clinical testing. Allele origin: germline. Affected: yes. Observed: 1 variant allele.
Comment: RASGRF1: PM2:Supporting, BP4, BP7